The following is an entry in ClinVar:

NM_018993.4(RIN2):c.1399G>C (p.Glu467Gln)

Gene: RIN2 (Ras and Rab interactor 2; plus strand). Cytogenetic location: 20p11.23.
Variant type: single nucleotide variant.
Coding change: c.1399G>C on transcript NM_018993.4 (MANE Select); coding-DNA position 1399, G replaced by C.
Protein change: p.Glu467Gln; replaces glutamic acid 467 with glutamine.
Molecular consequence: missense variant.
Genome position (GRCh38, 1-based): chr20:19,975,424, G>C. VCF-style: chr20-19975424-G-C. GRCh37 (hg19) VCF-style: chr20-19956068-G-C.
Other names: c.1546G>C, p.Glu516Gln (NM_001242581.2); c.781G>C, p.Glu261Gln (NM_001378238.1); short protein forms E261Q, E516Q, E467Q.
Identifiers: ClinVar variation 1382606 (VCV001382606.6), dbSNP rs760512543, ClinGen allele CA408362494.

ClinVar aggregate classification (germline): Uncertain significance (1 of 4 stars; one submission).

gnomAD v4.1: 3 of 1,614,088 alleles (0.00019%); highest among the groups gnomAD compares: Non-Finnish European, 0.00025%; no homozygotes.

Submission:

Labcorp Genetics (formerly Invitae), Labcorp
Classification: Uncertain significance. Last evaluated: 2021-09-21. Review status: criteria provided, single submitter. Criteria: Invitae Variant Classification Sherloc (09022015). Collection method: clinical testing. Allele origin: germline.
Comment: This variant has not been reported in the literature in individuals affected with RIN2-related conditions. In summary, the available evidence is currently insufficient to determine the role of this variant in disease. Therefore, it has been classified as a Variant of Uncertain Significance. Algorithms developed to predict the effect of missense changes on protein structure and function are either unavailable or do not agree on the potential impact of this missense change (SIFT: "Tolerated"; PolyPhen-2: "Not Available"; Align-GVGD: "Class C0"). This variant is not present in population databases (ExAC no frequency). This sequence change replaces glutamic acid with glutamine at codon 467 of the RIN2 protein (p.Glu467Gln). The glutamic acid residue is moderately conserved and there is a small physicochemical difference between glutamic acid and glutamine.